The following is an entry in ClinVar:

NM_001142864.4(PIEZO1):c.5679C>T (p.Asp1893=)

Gene: PIEZO1 (piezo type mechanosensitive ion channel component 1 (Er blood group); minus strand). Cytogenetic location: 16q24.3.
Variant type: single nucleotide variant.
Coding change: c.5679C>T on transcript NM_001142864.4 (MANE Select); coding-DNA position 5679, C replaced by T.
Protein change: p.Asp1893=; no amino-acid change (aspartic acid 1893 retained).
Molecular consequence: synonymous variant.
Genome position (GRCh38, 1-based): chr16:88,720,738, G>A on the plus strand (C>T on the coding strand, the complement: PIEZO1 is on the minus strand). VCF-style: chr16-88720738-G-A. GRCh37 (hg19) VCF-style: chr16-88787146-G-A.
Other names: c.4221C>T, p.Asp1407= (NM_014745.1).
Identifiers: ClinVar variation 1963994 (VCV001963994.5), dbSNP rs1912380953, ClinGen allele CA497076291.
Genomic context (GRCh38, chr16:88,720,738, plus strand): 5'-TGGCCTCTTCTCTCTCCCCGTGGGGGCCTCTTTCTCTTCCTCCCCCTCTTCTTCCTCCCT[G>A]TCCTCAGCTTCTGTAGGGAAAAGCTGACTTCTGCCTGGGCCCCCTGGGGACTGGGCCTGG-3'
Protein context (NP_001136336.2, residues 1883-1903): RKGAAAIEAE[Asp1893=]REEEEGEEEK

ClinVar aggregate classification (germline): Uncertain significance (1 of 4 stars; one submission).

Allele frequency attached by ClinVar (database versions not stated): TOPMed below 0.00001; gnomAD 0.00001; gnomAD exomes 0.00001.
gnomAD v4.1: 10 of 1,504,716 alleles (0.00066%); highest among the groups gnomAD compares: Non-Finnish European, 0.00089%; no homozygotes.

Submission:

Labcorp Genetics (formerly Invitae), Labcorp
Classification: Uncertain significance. Last evaluated: 2022-07-14. Review status: criteria provided, single submitter. Criteria: Invitae Variant Classification Sherloc (09022015). Collection method: clinical testing. Allele origin: germline.
Comment: In summary, the available evidence is currently insufficient to determine the role of this variant in disease. Therefore, it has been classified as a Variant of Uncertain Significance. Algorithms developed to predict the effect of sequence changes on RNA splicing suggest that this variant may disrupt the consensus splice site. This variant has not been reported in the literature in individuals affected with PIEZO1-related conditions. This variant is not present in population databases (gnomAD no frequency). This sequence change affects codon 1893 of the PIEZO1 mRNA. It is a 'silent' change, meaning that it does not change the encoded amino acid sequence of the PIEZO1 protein.